The following is an entry in ClinVar:

ClinVar aggregate classification (germline): Uncertain significance (1 of 4 stars; one submission).

Submission:

GeneDx
Classification: Uncertain significance. Last evaluated: 2024-09-23. Review status: criteria provided, single submitter. Criteria: GeneDx Variant Classification Process June 2021. Collection method: clinical testing. Allele origin: germline. Affected: yes.
Comment: Not observed at significant frequency in large population cohorts (gnomAD); In silico analysis indicates that this missense variant does not alter protein structure/function; Has not been previously published as pathogenic or benign to our knowledge

NM_001005273.3(CHD3):c.3807T>G (p.Asp1269Glu)

Gene: CHD3 (chromodomain helicase DNA binding protein 3; plus strand). Cytogenetic location: 17p13.1.
Variant type: single nucleotide variant.
Coding change: c.3807T>G on transcript NM_001005273.3 (MANE Select); coding-DNA position 3807, T replaced by G.
Protein change: p.Asp1269Glu; replaces aspartic acid 1269 with glutamic acid.
Molecular consequence: missense variant.
Genome position (GRCh38, 1-based): chr17:7,903,904, T>G. VCF-style: chr17-7903904-T-G. GRCh37 (hg19) VCF-style: chr17-7807222-T-G.
Other names: c.3984T>G, p.Asp1328Glu (NM_001005271.3); c.3807T>G, p.Asp1269Glu (NM_005852.4); short protein forms D1269E, D1328E.
Identifiers: ClinVar variation 3776421 (VCV003776421.1).